The following is an entry in ClinVar:

NM_017950.4(CCDC40):c.3183C>T (p.Asn1061=)

Gene: CCDC40 (coiled-coil domain 40 molecular ruler complex subunit; plus strand). Cytogenetic location: 17q25.3.
Variant type: single nucleotide variant.
Coding change: c.3183C>T on transcript NM_017950.4 (MANE Select); coding-DNA position 3183, C replaced by T.
Protein change: p.Asn1061=; no amino-acid change (asparagine 1061 retained).
Molecular consequence: synonymous variant.
Genome position (GRCh38, 1-based): chr17:80,099,529, C>T. VCF-style: chr17-80099529-C-T. GRCh37 (hg19) VCF-style: chr17-78073328-C-T.
Identifiers: ClinVar variation 1061365 (VCV001061365.7), dbSNP rs1567819545, ClinGen allele CA502176347.

ClinVar aggregate classification (germline): Uncertain significance (1 of 4 stars; one submission).

Conditions:
Primary ciliary dyskinesia. Also called: Ciliary dyskinesia. Identifiers: Orphanet 244, MedGen C0008780, MONDO:0016575, HP:0012265.

Allele frequency attached by ClinVar (database versions not stated): gnomAD exomes 0.00001.
gnomAD v4.1: 4 of 1,608,162 alleles (0.00025%); highest among the groups gnomAD compares: East Asian, 0.0067%; no homozygotes.

Submission:

Labcorp Genetics (formerly Invitae), Labcorp
Classification: Uncertain significance for Primary ciliary dyskinesia. Last evaluated: 2014-05-23. Review status: criteria provided, single submitter. Criteria: Invitae Variant Classification Sherloc (09022015). Collection method: clinical testing. Allele origin: germline.
Comment: This sequence change does not alter the protein sequence and is not predicted to affect splicing, but this prediction has not been confirmed by functional studies. This sequence change has neither been reported in affected individuals nor as a common polymorphism in the general population.